The following is an entry in ClinVar:

NM_173630.4(RTTN):c.108C>A (p.Tyr36Ter)

Gene: RTTN (rotatin; minus strand). Cytogenetic location: 18q22.2.
Variant type: single nucleotide variant.
Coding change: c.108C>A on transcript NM_173630.4 (MANE Select); coding-DNA position 108, C replaced by A.
Protein change: p.Tyr36Ter; replaces tyrosine 36 with a stop codon.
Molecular consequence: nonsense. On other transcripts: 5 prime UTR variant (1).
Genome position (GRCh38, 1-based): chr18:70,205,239, G>T on the plus strand (C>A on the coding strand, the complement: RTTN is on the minus strand). VCF-style: chr18-70205239-G-T. GRCh37 (hg19) VCF-style: chr18-67872475-G-T.
Other names: c.-2446C>A (NM_001318520.2); short protein forms Y36*.
Identifiers: ClinVar variation 4854393 (VCV004854393.1).

ClinVar aggregate classification (germline): Likely pathogenic (1 of 4 stars; one submission).

Conditions:
Microcephalic primordial dwarfism due to RTTN deficiency (MSSP). Also called: MICROCEPHALY, SHORT STATURE, AND POLYMICROGYRIA; Microcephaly, short stature, and polymicrogyria with or without seizures. Identifiers: Orphanet 468631, MedGen C3553831, MONDO:0018764, OMIM 614833.

gnomAD v4.1: 1 of 1,614,154 alleles (0.000062%); highest among the groups gnomAD compares: Admixed American, 0.0017%; no homozygotes.

Submission:

3billion
Classification: Likely pathogenic for Microcephalic primordial dwarfism due to RTTN deficiency. Last evaluated: 2026-01-11. Review status: criteria provided, single submitter. Criteria: ACMG Guidelines, 2015. Collection method: clinical testing. Allele origin: germline. Affected: yes.
Comment: The variant is observed at an extremely low frequency in the gnomAD v4.1.0 dataset (total allele frequency: <0.001%). Predicted Consequence/Location: Stop-gained (nonsense): predicted to result in a loss or disruption of normal protein function through nonsense-mediated decay (NMD) or protein truncation. Multiple pathogenic variants are reported downstream of the variant. Therefore, this variant is classified as Likely pathogenic according to the recommendation of ACMG/AMP guideline.